The following is an entry in ClinVar:

NM_003482.4(KMT2D):c.9837GCA[5] (p.Gln3282dup)

Gene: KMT2D (lysine methyltransferase 2D; minus strand). Cytogenetic location: 12q13.12.
Variant type: Microsatellite.
Coding change: c.9837GCA[5] on transcript NM_003482.4 (MANE Select); five copies in a row of the 3-base unit GCA starting at c.9837; the reference has four copies in a row; one copy, 3 bases duplicated; also written c.9846_9848dup.
Protein change: p.Gln3282dup; duplicates glutamine 3282.
Molecular consequence: inframe insertion.
Genome position (GRCh38, 1-based): chr12:49,037,508-49,037,510, TGC duplicated on the plus strand (GCA on the coding strand, the reverse complement: KMT2D is on the minus strand); duplicating any 3 consecutive bases within chr12:49,037,508-49,037,521 gives the same sequence; the position shown is the placement nearest the transcript's 3' end. VCF-style (leftmost placement, unchanged base first): chr12-49037507-A-ATGC. GRCh37 (hg19) VCF-style: chr12-49431290-A-ATGC.
Other names: c.9846_9848dup (NM_003482.3, NM_003482.4); c.9846_9848dupGCA (NM_003482.3).
Identifiers: ClinVar variation 586151 (VCV000586151.12), dbSNP rs758215754, ClinGen allele CA236643684.

ClinVar aggregate classification (germline): Uncertain significance. Review status: criteria provided, multiple submitters, no conflicts (2 of 4 stars). 4 submissions from 4 submitters: Uncertain significance (4). Last evaluated 2026-08-18.

Conditions:
KMT2D-related disorder. Also called: KMT2D-Related Disorders.
Kabuki syndrome. Also called: Kabuki make-up syndrome; NIIKAWA-KUROKI SYNDROME. Identifiers: Orphanet 2322, MedGen C0796004, MONDO:0016512.
Choanal atresia-athelia-hypothyroidism-delayed puberty-short stature syndrome (BCAHH). Also called: BRANCHIAL ARCH ABNORMALITIES, CHOANAL ATRESIA, ATHELIA, HEARING LOSS, AND HYPOTHYROIDISM SYNDROME. Identifiers: Orphanet 589856, MedGen C5680310, MONDO:0035651, OMIM 620186.
Kabuki syndrome 1 (KABUK1). Also called: KMT2D-Related Kabuki Syndrome. Identifiers: Orphanet 2322, MedGen CN030661, MONDO:0007843, OMIM 147920.

Submissions (4):

PreventionGenetics, part of Exact Sciences
Classification: Uncertain significance for KMT2D-related condition. Last evaluated: 2026-08-18. Review status: criteria provided, single submitter. Criteria: ACMG Guidelines, 2015. Collection method: clinical testing. Allele origin: germline.
Comment: The KMT2D c.9846_9848dupGCA variant is predicted to result in an in-frame duplication (p.Gln3282dup). This variant has been reported in a study of individuals with Kabuki syndrome (Supplemental Table 2, Sheet 1, Reported as the MLL2 gene and as c.9831_9833dupGCA, Hannibal et al. 2011. PubMed ID: 21671394). This variant is reported in 0.011% of alleles in individuals of African descent in gnomAD. At this time, the clinical significance of this variant is uncertain due to the absence of conclusive functional and genetic evidence.

Labcorp Genetics (formerly Invitae), Labcorp
Classification: Uncertain significance for Kabuki syndrome. Last evaluated: 2025-09-23. Review status: criteria provided, single submitter. Criteria: Invitae Variant Classification Sherloc (09022015). Collection method: clinical testing. Allele origin: germline.
Comment: This variant, c.9846_9848dup, results in the insertion of 1 amino acid(s) of the KMT2D protein (p.Gln3282dup), but otherwise preserves the integrity of the reading frame. This variant is present in population databases (no rsID available, gnomAD 0.01%). This variant has been observed in individual(s) with clinical features of Kabuki syndrome (PMID: 21671394). ClinVar contains an entry for this variant (Variation ID: 586151). Experimental studies and prediction algorithms are not available or were not evaluated, and the functional significance of this variant is currently unknown. In summary, the available evidence is currently insufficient to determine the role of this variant in disease. Therefore, it has been classified as a Variant of Uncertain Significance.

Fulgent Genetics
Classification: Uncertain significance for Kabuki syndrome 1; Choanal atresia-athelia-hypothyroidism-delayed puberty-short stature syndrome. Last evaluated: 2024-05-14. Review status: criteria provided, single submitter. Criteria: ACMG Guidelines, 2015. Collection method: clinical testing. Allele origin: germline.

Athena Diagnostics
Classification: Uncertain significance. Last evaluated: 2018-01-24. Review status: criteria provided, single submitter. Criteria: Athena Diagnostics Criteria. Collection method: clinical testing. Allele origin: germline.

Literature cited by the submitters: PubMed 21671394 (cited by Labcorp Genetics (formerly Invitae), Labcorp).